The following is an entry in ClinVar:

ClinVar aggregate classification (germline): Benign (1 of 4 stars; one submission).

Allele frequency attached by ClinVar (database versions not stated): gnomAD 0.11167 and 0.11700; TOPMed 0.11730; 1000 Genomes Project 0.11761; 1000 Genomes Project 30x 0.12477.
gnomAD v4.1: 16,874 of 152,280 alleles (11%); highest among the groups gnomAD compares: African/African-American, 31%; 2,033 homozygotes.

Submission:

GeneDx
Classification: Benign. Last evaluated: 2018-06-20. Review status: criteria provided, single submitter. Criteria: GeneDx Variant Classification (06012015). Collection method: clinical testing. Allele origin: germline. Affected: yes.
Comment: This variant is considered likely benign or benign based on one or more of the following criteria: it is a conservative change, it occurs at a poorly conserved position in the protein, it is predicted to be benign by multiple in silico algorithms, and/or has population frequency not consistent with disease.

NM_004304.5(ALK):c.952+192C>A

Gene: ALK (ALK receptor tyrosine kinase; minus strand). Cytogenetic location: 2p23.2.
Variant type: single nucleotide variant.
Coding change: c.952+192C>A on transcript NM_004304.5 (MANE Select); 192 bases into the intron after coding-DNA position 952, C replaced by A.
Molecular consequence: intron variant.
Genome position (GRCh38, 1-based): chr2:29,694,658, G>T on the plus strand (C>A on the coding strand, the complement: ALK is on the minus strand). VCF-style: chr2-29694658-G-T. GRCh37 (hg19) VCF-style: chr2-29917524-G-T.
Identifiers: ClinVar variation 676861 (VCV000676861.1), dbSNP rs13419205, ClinGen allele CA44976828.
Genomic context (GRCh38, chr2:29,694,658, plus strand): 5'-CATGGAAGAGAGTTATGAAACCCTACTTTTATTACTTGTTAAAGAATAAAGGTTTGGGCT[G>T]ATCTTGAGATGGGACTTGTCTTCCTCCCCTCCTTGCATGGCCCAAGAAGCCATGGAAAGT-3'